The following is an entry in ClinVar:

NM_020944.3(GBA2):c.2300A>G (p.Glu767Gly)

Gene: GBA2 (glucosylceramidase beta 2; minus strand). Cytogenetic location: 9p13.3.
Variant type: single nucleotide variant.
Coding change: c.2300A>G on transcript NM_020944.3 (MANE Select); coding-DNA position 2300, A replaced by G.
Protein change: p.Glu767Gly; replaces glutamic acid 767 with glycine.
Molecular consequence: missense variant.
Genome position (GRCh38, 1-based): chr9:35,738,050, T>C on the plus strand (A>G on the coding strand, the complement: GBA2 is on the minus strand). VCF-style: chr9-35738050-T-C. GRCh37 (hg19) VCF-style: chr9-35738047-T-C.
Other names: c.2300A>G, p.Glu767Gly (NM_001330660.2); short protein forms E767G.
Identifiers: ClinVar variation 4702731 (VCV004702731.1).

ClinVar aggregate classification (germline): Uncertain significance (1 of 4 stars; one submission).

Conditions:
Spastic paraplegia. Identifiers: MedGen C0037772, HP:0001258.

gnomAD v4.1: 1 of 1,609,414 alleles (0.000062%); highest among the groups gnomAD compares: East Asian, 0.0022%; no homozygotes.

Submission:

Labcorp Genetics (formerly Invitae), Labcorp
Classification: Uncertain significance for Spastic paraplegia. Last evaluated: 2026-01-08. Review status: criteria provided, single submitter. Criteria: Invitae Variant Classification Sherloc (09022015). Collection method: clinical testing. Allele origin: germline.
Comment: This sequence change replaces glutamic acid, which is acidic and polar, with glycine, which is neutral and non-polar, at codon 767 of the GBA2 protein (p.Glu767Gly). The frequency data for this variant in the population databases is considered unreliable, as metrics indicate poor data quality at this position in the gnomAD database. This variant has not been reported in the literature in individuals affected with GBA2-related conditions. An algorithm developed to predict the effect of missense changes on protein structure and function (PolyPhen-2) suggests that this variant is likely to be tolerated. In summary, the available evidence is currently insufficient to determine the role of this variant in disease. Therefore, it has been classified as a Variant of Uncertain Significance.